The following is an entry in ClinVar:

NM_032178.3(SLC7A6OS):c.358G>A (p.Glu120Lys)

Gene: SLC7A6OS (solute carrier family 7 member 6 opposite strand; minus strand). Cytogenetic location: 16q22.1.
Variant type: single nucleotide variant.
Coding change: c.358G>A on transcript NM_032178.3 (MANE Select); coding-DNA position 358, G replaced by A.
Protein change: p.Glu120Lys; replaces glutamic acid 120 with lysine.
Molecular consequence: missense variant.
Genome position (GRCh38, 1-based): chr16:68,310,448, C>T on the plus strand (G>A on the coding strand, the complement: SLC7A6OS is on the minus strand). VCF-style: chr16-68310448-C-T. GRCh37 (hg19) VCF-style: chr16-68344351-C-T.
Other names: short protein forms E120K.
Identifiers: ClinVar variation 2646653 (VCV002646653.24), dbSNP rs2543450224, ClinGen allele CA396444259.
Genomic context (GRCh38, chr16:68,310,448, plus strand): 5'-CTAACAACTGAAAGCCCGAGTTCCCGGCGGCTTCTGGGTTCCCCGGCGTGTACTCGGACT[C>T]CTGGCCGCTCGAGGTGGTCCCCAAGGATCGGCGGCTGGAAAGCACCCGGTAGCGGCCCTC-3'
Protein context (NP_115554.2, residues 110-130): RSLGTTSSGQ[Glu120Lys]SEYTPGNPEA

ClinVar aggregate classification (germline): Uncertain significance (1 of 4 stars; one submission).

Submission:

CeGaT Center for Human Genetics Tuebingen
Classification: Uncertain significance. Last evaluated: 2022-05-01. Review status: criteria provided, single submitter. Criteria: CeGaT Center For Human Genetics Tuebingen Variant Classification Criteria Version 2. Collection method: clinical testing. Allele origin: germline. Affected: yes. Observed: 1 variant allele.
Comment: SLC7A6OS: PM2, BP4